The following is an entry in ClinVar:

ClinVar aggregate classification (germline): Benign (0 of 4 stars; one submission).

Conditions:
CSMD3-related disorder. Also called: CSMD3-related condition.

Allele frequency attached by ClinVar (database versions not stated): 1000 Genomes Project 0.13918; ExAC 0.14513; 1000 Genomes Project 30x 0.14054; gnomAD 0.15344; TOPMed 0.15851; ESP Exome Variant Server 0.15970; gnomAD exomes 0.14377.
gnomAD v4.1: 233,226 of 1,606,904 alleles (15%); highest among the groups gnomAD compares: Middle Eastern, 31%; 18,283 homozygotes.

Submissions (6):

PreventionGenetics, part of Exact Sciences
Classification: Benign for CSMD3-related condition. Last evaluated: 2019-10-21. Review status: no assertion criteria provided. Collection method: clinical testing. Allele origin: germline.
Comment: This variant is classified as benign based on ACMG/AMP sequence variant interpretation guidelines (Richards et al. 2015 PMID: 25741868, with internal and published modifications).

Dr. Peter K. Rogan Lab, Western University
No classification provided (evidence only). Condition: Cholangiocarcinoma. Review status: no classification provided. Collection method: in vitro. Allele origin: not applicable. Functional consequence: retained intron. Not counted in ClinVar's aggregate classification.

Dr. Peter K. Rogan Lab, Western University
No classification provided (evidence only). Condition: Cholangiocarcinoma. Review status: no classification provided. Collection method: in vitro. Allele origin: not applicable. Functional consequence: retained intron. Not counted in ClinVar's aggregate classification.

Dr. Peter K. Rogan Lab, Western University
No classification provided (evidence only). Condition: Uterine carcinosarcoma. Review status: no classification provided. Collection method: in vitro. Allele origin: not applicable. Functional consequence: retained intron. Not counted in ClinVar's aggregate classification.

Dr. Peter K. Rogan Lab, Western University
No classification provided (evidence only). Condition: Nonpapillary renal cell carcinoma. Review status: no classification provided. Collection method: in vitro. Allele origin: not applicable. Functional consequence: retained intron. Not counted in ClinVar's aggregate classification.

Dr. Peter K. Rogan Lab, Western University
No classification provided (evidence only). Condition: Hepatocellular carcinoma. Review status: no classification provided. Collection method: in vitro. Allele origin: not applicable. Functional consequence: retained intron. Not counted in ClinVar's aggregate classification.

NM_198123.2(CSMD3):c.3005-5T>G

Gene: CSMD3 (CUB and Sushi multiple domains 3; minus strand). Cytogenetic location: 8q23.3.
Variant type: single nucleotide variant.
Coding change: c.3005-5T>G on transcript NM_198123.2 (MANE Select); 5 bases into the intron before coding-DNA position 3005, T replaced by G.
Molecular consequence: intron variant.
Genome position (GRCh38, 1-based): chr8:112,650,354, A>C on the plus strand (T>G on the coding strand, the complement: CSMD3 is on the minus strand). VCF-style: chr8-112650354-A-C. GRCh37 (hg19) VCF-style: chr8-113662583-A-C.
Other names: NC_000008.10:g.113662583A>C; c.2615-5T>G (NM_001363185.1); c.2693-5T>G (NM_052900.3); c.2885-5T>G (NM_198124.2).
Identifiers: ClinVar variation 3055846 (VCV003055846.3), dbSNP rs17652171, ClinGen allele CA4850544.